The following is an entry in ClinVar:

NM_000133.4(F9):c.907C>T (p.His303Tyr)

Gene: F9 (coagulation factor IX; plus strand). Cytogenetic location: Xq27.1.
Variant type: single nucleotide variant.
Coding change: c.907C>T on transcript NM_000133.4 (MANE Select); coding-DNA position 907, C replaced by T.
Protein change: p.His303Tyr; replaces histidine 303 with tyrosine.
Molecular consequence: missense variant.
Genome position (GRCh38, 1-based): chrX:139,561,592, C>T. VCF-style: chrX-139561592-C-T. GRCh37 (hg19) VCF-style: chrX-138643751-C-T.
Other names: F9, HIS257TYR; H257Y; c.793C>T, p.His265Tyr (NM_001313913.2); short protein forms H303Y, H265Y.
Identifiers: ClinVar variation 10641 (VCV000010641.32), dbSNP rs1801202, ClinGen allele CA121135.

ClinVar aggregate classification (germline): Benign/Likely benign. Review status: criteria provided, multiple submitters, no conflicts (2 of 4 stars). 7 submissions from 7 submitters: Benign (1); Likely benign (4). 2 of the submissions do not count toward it. Last evaluated 2026-01-28.

Conditions:
F9-related disorder. Also called: F9-related condition.
Warfarin sensitivity, X-linked. Also called: COUMARIN SENSITIVITY, X-LINKED. Identifiers: MedGen C5393318, OMIM 301052, MONDO:0026768.
Thrombophilia, X-linked, due to factor 9 defect. Identifiers: MedGen C2749016, MONDO:0010432, OMIM 300807.
Hereditary factor IX deficiency disease (HEMB). Also called: F9 DEFICIENCY; FACTOR IX DEFICIENCY; Hemophilia B; PLASMA THROMBOPLASTIN COMPONENT DEFICIENCY; Christmas Disease. Identifiers: Orphanet 98879, MedGen C0008533, MeSH D002836, MONDO:0010604, OMIM 306900.
FACTOR IX POLYMORPHISM.

Allele frequency attached by ClinVar (database versions not stated): TOPMed 0.00036; gnomAD 0.00043 and 0.00044; gnomAD exomes 0.00051 and 0.00081; ExAC 0.00058.
gnomAD v4.1: 916 of 1,206,317 alleles (0.076%); highest among the groups gnomAD compares: Non-Finnish European, 0.096%; 2 homozygotes.

Submissions (7):

Labcorp Genetics (formerly Invitae), Labcorp
Classification: Benign for Thrombophilia, X-linked, due to factor 9 defect; Hereditary factor IX deficiency disease. Last evaluated: 2026-01-28. Review status: criteria provided, single submitter. Criteria: Invitae Variant Classification Sherloc (09022015). Collection method: clinical testing. Allele origin: germline.

Women's Health and Genetics/Laboratory Corporation of America, LabCorp
Classification: Likely benign. Last evaluated: 2025-03-28. Review status: criteria provided, single submitter. Criteria: LabCorp Variant Classification Summary - May 2015. Collection method: clinical testing. Allele origin: germline.
Comment: Variant summary: F9 c.907C>T (p.His303Tyr) results in a conservative amino acid change in the encoded protein sequence. Three of three in-silico tools predict a benign effect of the variant on protein function. The variant allele was found at a frequency of 0.00051 in 180464 control chromosomes, including hemizygotes. To our knowledge, no experimental evidence demonstrating the variant's impact on protein function has been reported. ClinVar contains an entry for this variant (Variation ID: 10641). Based on the evidence outlined above, the variant was classified as likely benign.

Blueprint Genetics
Classification: Likely benign. Last evaluated: 2024-11-12. Review status: criteria provided, single submitter. Criteria: ACMG Guidelines, 2015. Collection method: clinical testing. Allele origin: germline.

Fulgent Genetics
Classification: Likely benign for Thrombophilia, X-linked, due to factor 9 defect; Warfarin sensitivity, X-linked; Hereditary factor IX deficiency disease. Last evaluated: 2022-04-26. Review status: criteria provided, single submitter. Criteria: ACMG Guidelines, 2015. Collection method: clinical testing. Allele origin: unknown.

Illumina Laboratory Services, Illumina
Classification: Likely benign for Hereditary factor IX deficiency disease. Last evaluated: 2017-04-27. Review status: criteria provided, single submitter. Criteria: ICSL Variant Classification Criteria 13 December 2019. Collection method: clinical testing. Allele origin: germline.
Comment: This variant was observed as part of a predisposition screen in an ostensibly healthy population. A literature search was performed for the gene, cDNA change, and amino acid change (where applicable). Publications were found based on this search. The evidence from the literature, in combination with allele frequency data from public databases where available, was sufficient to determine this variant is unlikely to cause disease. Therefore, this variant is classified as likely benign.

PreventionGenetics, part of Exact Sciences
Classification: Likely benign for F9-related condition. Last evaluated: 2022-09-09. Review status: no assertion criteria provided. Collection method: clinical testing. Allele origin: germline. Not counted in ClinVar's aggregate classification.
Comment: This variant is classified as likely benign based on ACMG/AMP sequence variant interpretation guidelines (Richards et al. 2015 PMID: 25741868, with internal and published modifications).

OMIM
Classification: Benign for FACTOR IX POLYMORPHISM. Last evaluated: 2013-09-11. Review status: no assertion criteria provided. Collection method: literature only. Allele origin: germline. Not counted in ClinVar's aggregate classification.

Literature cited by the submitters: PubMed 7937052 (cited by Illumina Laboratory Services, Illumina); PubMed 2370049 (cited by Illumina Laboratory Services, Illumina).